The following is an entry in ClinVar:

NM_005535.3(IL12RB1):c.1813G>T (p.Val605Leu)

Gene: IL12RB1 (interleukin 12 receptor subunit beta 1; minus strand). Cytogenetic location: 19p13.11.
Variant type: single nucleotide variant.
Coding change: c.1813G>T on transcript NM_005535.3 (MANE Select); coding-DNA position 1813, G replaced by T.
Protein change: p.Val605Leu; replaces valine 605 with leucine.
Molecular consequence: missense variant.
Genome position (GRCh38, 1-based): chr19:18,060,064, C>A on the plus strand (G>T on the coding strand, the complement: IL12RB1 is on the minus strand). VCF-style: chr19-18060064-C-A. GRCh37 (hg19) VCF-style: chr19-18170874-C-A.
Other names: c.1813G>T, p.Val605Leu (NM_001290023.2); c.1933G>T, p.Val645Leu (NM_001290024.2); short protein forms V605L, V645L.
Identifiers: ClinVar variation 541821 (VCV000541821.56), dbSNP rs145590794, ClinGen allele CA9304671.

ClinVar aggregate classification (germline): Likely benign. Review status: criteria provided, multiple submitters, no conflicts (2 of 4 stars). 5 submissions from 5 submitters: Likely benign (4). 1 of the submissions does not count toward it. Last evaluated 2026-01-13.

Conditions:
Mendelian susceptibility to mycobacterial diseases due to complete IL12RB1 deficiency. Also called: IL12RB1 DEFICIENCY; Immunodeficiency 30. Identifiers: Orphanet 319552, MedGen C4013949, MONDO:0013955, OMIM 614891.
IL12RB1-related disorder. Also called: IL12RB1-related condition.

Allele frequency attached by ClinVar (database versions not stated): 1000 Genomes Project 0.00100; 1000 Genomes Project 30x 0.00125; TOPMed 0.00144; ESP Exome Variant Server 0.00170; gnomAD exomes 0.00179 and 0.00241; gnomAD 0.00207 and 0.00216; ExAC 0.00227.
gnomAD v4.1: 3,770 of 1,603,074 alleles (0.24%); highest among the groups gnomAD compares: Non-Finnish European, 0.27%; 5 homozygotes.

Submissions (5):

Labcorp Genetics (formerly Invitae), Labcorp
Classification: Likely benign for Mendelian susceptibility to mycobacterial diseases due to complete IL12RB1 deficiency. Last evaluated: 2026-01-13. Review status: criteria provided, single submitter. Criteria: Invitae Variant Classification Sherloc (09022015). Collection method: clinical testing. Allele origin: germline.

Blueprint Genetics
Classification: Likely benign. Last evaluated: 2024-11-27. Review status: criteria provided, single submitter. Criteria: ACMG Guidelines, 2015. Collection method: clinical testing. Allele origin: germline.

CeGaT Center for Human Genetics Tuebingen
Classification: Likely benign. Last evaluated: 2020-03-01. Review status: criteria provided, single submitter. Criteria: CeGaT Center For Human Genetics Tuebingen Variant Classification Criteria Version 2. Collection method: clinical testing. Allele origin: germline. Affected: yes. Observed: 1 variant allele.

Illumina Laboratory Services, Illumina
Classification: Likely benign for Mendelian susceptibility to mycobacterial diseases due to complete IL12RB1 deficiency. Last evaluated: 2018-01-12. Review status: criteria provided, single submitter. Criteria: ICSL Variant Classification Criteria 13 December 2019. Collection method: clinical testing. Allele origin: germline.
Comment: This variant was observed in the ICSL laboratory as part of a predisposition screen in an ostensibly healthy population. It had not been previously curated by ICSL or reported in the Human Gene Mutation Database (HGMD: prior to June 1st, 2018), and was therefore a candidate for classification through an automated scoring system. Utilizing variant allele frequency, disease prevalence and penetrance estimates, and inheritance mode, an automated score was calculated to assess if this variant is too frequent to cause the disease. Based on the score and internal cut-off values, a variant classified as likely benign is not then subjected to further curation. The score for this variant resulted in a classification of likely benign for this disease.

PreventionGenetics, part of Exact Sciences
Classification: Likely benign for IL12RB1-related condition. Last evaluated: 2020-05-22. Review status: no assertion criteria provided. Collection method: clinical testing. Allele origin: germline. Not counted in ClinVar's aggregate classification.
Comment: This variant is classified as likely benign based on ACMG/AMP sequence variant interpretation guidelines (Richards et al. 2015 PMID: 25741868, with internal and published modifications).